The following is an entry in ClinVar:

NM_001077525.3(MTMR14):c.1426G>A (p.Ala476Thr)

Gene: MTMR14 (myotubularin related protein 14; plus strand). Cytogenetic location: 3p25.3.
Variant type: single nucleotide variant.
Coding change: c.1426G>A on transcript NM_001077525.3 (MANE Select); coding-DNA position 1426, G replaced by A.
Protein change: p.Ala476Thr; replaces alanine 476 with threonine.
Molecular consequence: missense variant. On other transcripts: non-coding transcript variant (9).
Genome position (GRCh38, 1-based): chr3:9,689,075, G>A. VCF-style: chr3-9689075-G-A. GRCh37 (hg19) VCF-style: chr3-9730759-G-A.
Other names: c.1177G>A, p.Ala393Thr (NM_001400531.1); c.1144G>A, p.Ala382Thr (NM_001400532.1, NM_001400525.1, NM_001400529.1); c.784G>A, p.Ala262Thr (NM_001400533.1, NM_001400534.1, NM_001400535.1 and 7 more transcripts); c.1105G>A, p.Ala369Thr (NM_001400536.1); c.1069G>A, p.Ala357Thr (NM_001400537.1); c.709G>A, p.Ala237Thr (NM_001400538.1, NM_001400549.1); c.1426G>A, p.Ala476Thr (NM_001077526.3, NM_022485.5); c.1495G>A, p.Ala499Thr (NM_001400518.1, NM_001400521.1); and 5 more; short protein forms A189T, A237T, A393T, A451T, A475T, A382T, A394T, A499T.
Identifiers: ClinVar variation 2973417 (VCV002973417.3), dbSNP rs2125317006, ClinGen allele CA351699992.

ClinVar aggregate classification (germline): Uncertain significance (1 of 4 stars; one submission).

gnomAD v4.1: 1 of 1,611,414 alleles (0.000062%); no homozygotes.

Submission:

Labcorp Genetics (formerly Invitae), Labcorp
Classification: Uncertain significance. Last evaluated: 2023-01-15. Review status: criteria provided, single submitter. Criteria: Invitae Variant Classification Sherloc (09022015). Collection method: clinical testing. Allele origin: germline.
Comment: In summary, the available evidence is currently insufficient to determine the role of this variant in disease. Therefore, it has been classified as a Variant of Uncertain Significance. Advanced modeling of protein sequence and biophysical properties (such as structural, functional, and spatial information, amino acid conservation, physicochemical variation, residue mobility, and thermodynamic stability) performed at Invitae indicates that this missense variant is not expected to disrupt MTMR14 protein function. This variant has not been reported in the literature in individuals affected with MTMR14-related conditions. This variant is not present in population databases (gnomAD no frequency). This sequence change replaces alanine, which is neutral and non-polar, with threonine, which is neutral and polar, at codon 476 of the MTMR14 protein (p.Ala476Thr).